The following is an entry in ClinVar:

ClinVar aggregate classification (germline): Uncertain significance. Review status: criteria provided, multiple submitters, no conflicts (2 of 4 stars). 2 submissions from 2 submitters: Uncertain significance (2). Last evaluated 2024-05-10.

Conditions:
Hereditary cancer-predisposing syndrome. Also called: Tumor predisposition; Hereditary Cancer Syndrome; Hereditary neoplastic syndrome; Neoplastic Syndromes, Hereditary. Identifiers: Orphanet 140162, MedGen C0027672, MeSH D009386, MONDO:0015356.

Submissions (2):

Ambry Genetics
Classification: Uncertain significance for Hereditary cancer-predisposing syndrome. Last evaluated: 2024-05-10. Review status: criteria provided, single submitter. Criteria: Ambry Variant Classification Scheme 2023. Collection method: clinical testing. Allele origin: germline.
Comment: The p.T208A variant (also known as c.622A>G), located in coding exon 4 of the MSH3 gene, results from an A to G substitution at nucleotide position 622. The threonine at codon 208 is replaced by alanine, an amino acid with similar properties. This amino acid position is conserved. In addition, this alteration is predicted to be tolerated by in silico analysis. Based on the available evidence, the clinical significance of this variant remains unclear.

Labcorp Genetics (formerly Invitae), Labcorp
Classification: Uncertain significance. Last evaluated: 2024-05-02. Review status: criteria provided, single submitter. Criteria: Invitae Variant Classification Sherloc (09022015). Collection method: clinical testing. Allele origin: germline.
Comment: This sequence change replaces threonine, which is neutral and polar, with alanine, which is neutral and non-polar, at codon 208 of the MSH3 protein (p.Thr208Ala). This variant is not present in population databases (gnomAD no frequency). This variant has not been reported in the literature in individuals affected with MSH3-related conditions. An algorithm developed to predict the effect of missense changes on protein structure and function (PolyPhen-2) suggests that this variant is likely to be tolerated. In summary, the available evidence is currently insufficient to determine the role of this variant in disease. Therefore, it has been classified as a Variant of Uncertain Significance.

NM_002439.5(MSH3):c.622A>G (p.Thr208Ala)

Gene: MSH3 (mutS homolog 3; plus strand). Cytogenetic location: 5q14.1.
Variant type: single nucleotide variant.
Coding change: c.622A>G on transcript NM_002439.5 (MANE Select); coding-DNA position 622, A replaced by G.
Protein change: p.Thr208Ala; replaces threonine 208 with alanine.
Molecular consequence: missense variant.
Genome position (GRCh38, 1-based): chr5:80,670,139, A>G. VCF-style: chr5-80670139-A-G. GRCh37 (hg19) VCF-style: chr5-79965958-A-G.
Other names: short protein forms T208A.
Identifiers: ClinVar variation 3296252 (VCV003296252.3).
Genomic context (GRCh38, chr5:80,670,139, plus strand): 5'-ACATCTTTTGGTTGCCAGGACACAACACTTTTTGATCTCAGTCAGTTTGGATCATCAAAT[A>G]CAAGTCATGAAAATTTACAGAAAACTGCTTCCAAATCAGCTAACAAACGGTCCAAAAGCA-3'
Protein context (NP_002430.3, residues 198-218): FDLSQFGSSN[Thr208Ala]SHENLQKTAS